The following is an entry in ClinVar:

NM_001351132.2(PEX5):c.1033C>T (p.Arg345Cys)

Gene: PEX5 (peroxisomal biogenesis factor 5; plus strand). Cytogenetic location: 12p13.31.
Variant type: single nucleotide variant.
Coding change: c.1033C>T on transcript NM_001351132.2 (MANE Select); coding-DNA position 1033, C replaced by T.
Protein change: p.Arg345Cys; replaces arginine 345 with cysteine.
Molecular consequence: missense variant.
Genome position (GRCh38, 1-based): chr12:7,207,725, C>T. VCF-style: chr12-7207725-C-T. GRCh37 (hg19) VCF-style: chr12-7360321-C-T.
Other names: c.1009C>T, p.Arg337Cys (NM_000319.5); c.1078C>T, p.Arg360Cys (NM_001131023.2); c.922C>T, p.Arg308Cys (NM_001131024.2, NM_001351124.3, NM_001351126.2 and 7 more transcripts); c.1033C>T, p.Arg345Cys (NM_001131025.2, NM_001131026.2, NM_001300789.3 and 4 more transcripts); c.967C>T, p.Arg323Cys (NM_001351135.3, NM_001351138.2); c.1024C>T, p.Arg342Cys (NM_001351136.2); c.898C>T, p.Arg300Cys (NM_001351139.2, NM_001351140.2, NM_001374649.2); short protein forms R308C, R323C, R342C, R360C, R300C, R337C, R345C.
Identifiers: ClinVar variation 883208 (VCV000883208.10), dbSNP rs199822160, ClinGen allele CA6426347.

ClinVar aggregate classification (germline): Uncertain significance. Review status: criteria provided, multiple submitters, no conflicts (2 of 4 stars). 3 submissions from 3 submitters: Uncertain significance (3). Last evaluated 2023-05-17.

Conditions:
Peroxisome biogenesis disorder 2A (Zellweger) (PBD2A). Also called: Cerebrohepatorenal syndrome, variant types. Identifiers: Orphanet 912, MedGen C3550273, MONDO:0008954, OMIM 214110.
Inborn genetic diseases. Identifiers: MedGen C0950123, MeSH D030342.
Peroxisome biogenesis disorder 2B (PBD2B). Identifiers: Orphanet 44, MedGen C3550234, MONDO:0008736, OMIM 202370.

Allele frequency attached by ClinVar (database versions not stated): gnomAD exomes 0.00002 and 0.00003; TOPMed 0.00003; gnomAD 0.00004; ExAC 0.00005.
gnomAD v4.1: 45 of 1,613,830 alleles (0.0028%); highest among the groups gnomAD compares: Middle Eastern, 0.016%; no homozygotes.

Submissions (3):

Ambry Genetics
Classification: Uncertain significance for Inborn genetic diseases. Last evaluated: 2023-05-17. Review status: criteria provided, single submitter. Criteria: Ambry Variant Classification Scheme 2023. Collection method: clinical testing. Allele origin: germline.

Labcorp Genetics (formerly Invitae), Labcorp
Classification: Uncertain significance for Peroxisome biogenesis disorder 2B. Last evaluated: 2022-08-16. Review status: criteria provided, single submitter. Criteria: Invitae Variant Classification Sherloc (09022015). Collection method: clinical testing. Allele origin: germline.
Comment: This sequence change replaces arginine, which is basic and polar, with cysteine, which is neutral and slightly polar, at codon 345 of the PEX5 protein (p.Arg345Cys). This variant is present in population databases (rs199822160, gnomAD 0.05%). This variant has not been reported in the literature in individuals affected with PEX5-related conditions. ClinVar contains an entry for this variant (Variation ID: 883208). Algorithms developed to predict the effect of missense changes on protein structure and function (SIFT, PolyPhen-2, Align-GVGD) all suggest that this variant is likely to be tolerated. Algorithms developed to predict the effect of sequence changes on RNA splicing suggest that this variant may create or strengthen a splice site. In summary, the available evidence is currently insufficient to determine the role of this variant in disease. Therefore, it has been classified as a Variant of Uncertain Significance.

Illumina Laboratory Services, Illumina
Classification: Uncertain significance for Peroxisome biogenesis disorder 2A (Zellweger). Last evaluated: 2018-01-12. Review status: criteria provided, single submitter. Criteria: ICSL Variant Classification Criteria 13 December 2019. Collection method: clinical testing. Allele origin: germline.